The following is an entry in ClinVar:

NM_001330700.2(TOP2B):c.396-10T>A

Gene: TOP2B (DNA topoisomerase II beta; minus strand). Cytogenetic location: 3p24.2.
Variant type: single nucleotide variant.
Coding change: c.396-10T>A on transcript NM_001330700.2 (MANE Select); 10 bases into the intron before coding-DNA position 396, T replaced by A.
Molecular consequence: intron variant.
Genome position (GRCh38, 1-based): chr3:25,638,320, A>T on the plus strand (T>A on the coding strand, the complement: TOP2B is on the minus strand). VCF-style: chr3-25638320-A-T. GRCh37 (hg19) VCF-style: chr3-25679811-A-T.
Other names: c.381-10T>A (NM_001068.3).
Identifiers: ClinVar variation 3030197 (VCV003030197.4), dbSNP rs1200820514, ClinGen allele CA541722577.
Genomic context (GRCh38, chr3:25,638,320, plus strand): 5'-ACTACTGGAATGCCTTTCCCATTATTCCAAATGCTTATAATGTTAGATTCACTGTAAAAA[A>T]AAAAAAAAAAAAAAAAAAAAAAAAAAAAAAAAGCAGAATTTAGAGCTTAAAATAGTAAAG-3'

ClinVar aggregate classification (germline): Likely benign. Review status: criteria provided, single submitter (1 of 4 stars). 2 submissions from 2 submitters: Likely benign (1). 1 of the submissions does not count toward it. Last evaluated 2025-06-13.

Conditions:
TOP2B-related disorder. Also called: TOP2B-related condition.

Allele frequency attached by ClinVar (database versions not stated): gnomAD 0.00015; gnomAD exomes below 0.00001.
gnomAD v4.1: 17 of 946,768 alleles (0.0018%); highest among the groups gnomAD compares: African/African-American, 0.064%; no homozygotes.

Submissions (2):

Labcorp Genetics (formerly Invitae), Labcorp
Classification: Likely benign. Last evaluated: 2025-06-13. Review status: criteria provided, single submitter. Criteria: Invitae Variant Classification Sherloc (09022015). Collection method: clinical testing. Allele origin: germline.

PreventionGenetics, part of Exact Sciences
Classification: Likely benign for TOP2B-related condition. Last evaluated: 2023-10-18. Review status: no assertion criteria provided. Collection method: clinical testing. Allele origin: germline. Not counted in ClinVar's aggregate classification.
Comment: This variant is classified as likely benign based on ACMG/AMP sequence variant interpretation guidelines (Richards et al. 2015 PMID: 25741868, with internal and published modifications).